The following is an entry in ClinVar:

NM_001083614.2(EARS2):c.296-4C>G

Gene: EARS2 (glutamyl-tRNA synthetase 2, mitochondrial; minus strand). Cytogenetic location: 16p12.2.
Variant type: single nucleotide variant.
Coding change: c.296-4C>G on transcript NM_001083614.2 (MANE Select); 4 bases into the intron before coding-DNA position 296, C replaced by G.
Molecular consequence: intron variant.
Genome position (GRCh38, 1-based): chr16:23,544,707, G>C on the plus strand (C>G on the coding strand, the complement: EARS2 is on the minus strand). VCF-style: chr16-23544707-G-C. GRCh37 (hg19) VCF-style: chr16-23556028-G-C.
Other names: c.296-4C>G (NM_001308211.1).
Identifiers: ClinVar variation 681410 (VCV000681410.4), dbSNP rs1597021370, ClinGen allele CA915949131.
Genomic context (GRCh38, chr16:23,544,707, plus strand): 5'-ATTGCTGGTAGGGCCCAGCAGGACCGCCCCGGCGGGGGCTCTCATCAGGCGGGATGCCTG[G>C]AACACAGGGAATAATGACAGCTAAGGTGCACACAGCGCTCGTTCTCAGGCATTGCTCTAA-3'

ClinVar aggregate classification (germline): Likely benign. Review status: criteria provided, multiple submitters, no conflicts (2 of 4 stars). 2 submissions from 2 submitters: Likely benign (2). Last evaluated 2018-06-29.

Submissions (2):

Labcorp Genetics (formerly Invitae), Labcorp
Classification: Likely benign. Last evaluated: 2018-06-29. Review status: criteria provided, single submitter. Criteria: Invitae Variant Classification Sherloc (09022015). Collection method: clinical testing. Allele origin: germline.

GeneDx
Classification: Likely benign. Last evaluated: 2018-04-03. Review status: criteria provided, single submitter. Criteria: GeneDx Variant Classification (06012015). Collection method: clinical testing. Allele origin: germline. Affected: yes.
Comment: This variant is considered likely benign or benign based on one or more of the following criteria: it is a conservative change, it occurs at a poorly conserved position in the protein, it is predicted to be benign by multiple in silico algorithms, and/or has population frequency not consistent with disease.